The following is an entry in ClinVar:

ClinVar aggregate classification (germline): Benign/Likely benign. Review status: criteria provided, multiple submitters, no conflicts (2 of 4 stars). 8 submissions from 8 submitters: Benign (2); Likely benign (6). Last evaluated 2026-01-21.

Conditions:
Hereditary cancer-predisposing syndrome. Also called: Tumor predisposition; Hereditary neoplastic syndrome; Hereditary Cancer Syndrome; Neoplastic Syndromes, Hereditary. Identifiers: Orphanet 140162, MedGen C0027672, MeSH D009386, MONDO:0015356.
Multiple endocrine neoplasia, type 2 (MEN2). Identifiers: Orphanet 653, MedGen C4048306, MONDO:0019003. Disease mechanism: gain of function.
Pheochromocytoma. Also called: MAX-Related Hereditary Paraganglioma-Pheochromocytoma Syndrome. Identifiers: Orphanet 29072, MedGen C0031511, MONDO:0008233, OMIM 171300, HP:0002666.

Allele frequency attached by ClinVar (database versions not stated): TOPMed 0.00009; ExAC 0.00014; gnomAD 0.00014 and 0.00015; gnomAD exomes 0.00015 and 0.00021; ESP Exome Variant Server 0.00023; 1000 Genomes Project 0.00040; 1000 Genomes Project 30x 0.00047.
gnomAD v4.1: 314 of 1,614,120 alleles (0.019%); highest among the groups gnomAD compares: Non-Finnish European, 0.024%; no homozygotes.

Submissions (8):

Labcorp Genetics (formerly Invitae), Labcorp
Classification: Likely benign for Multiple endocrine neoplasia, type 2. Last evaluated: 2026-01-21. Review status: criteria provided, single submitter. Criteria: Invitae Variant Classification Sherloc (09022015). Collection method: clinical testing. Allele origin: germline.

Women's Health and Genetics/Laboratory Corporation of America, LabCorp
Classification: Benign. Last evaluated: 2025-10-07. Review status: criteria provided, single submitter. Criteria: LabCorp Variant Classification Summary - May 2015. Collection method: clinical testing. Allele origin: germline.

KCCC/NGS Laboratory, Kuwait Cancer Control Center
Classification: Benign for Pheochromocytoma. Last evaluated: 2025-02-01. Review status: criteria provided, single submitter. Criteria: ACMG Guidelines, 2015. Collection method: clinical testing. Allele origin: germline. Affected: no.

CeGaT Center for Human Genetics Tuebingen
Classification: Likely benign. Last evaluated: 2023-05-01. Review status: criteria provided, single submitter. Criteria: CeGaT Center For Human Genetics Tuebingen Variant Classification Criteria Version 2. Collection method: clinical testing. Allele origin: germline. Affected: yes. Observed: 1 variant allele.
Comment: RET: BP4, BP7

Color Diagnostics, LLC DBA Color Health
Classification: Likely benign for Multiple endocrine neoplasia, type 2. Last evaluated: 2022-11-06. Review status: criteria provided, single submitter. Criteria: ACMG Guidelines, 2015. Collection method: clinical testing. Allele origin: germline.

PreventionGenetics, part of Exact Sciences
Classification: Likely benign. Last evaluated: 2018-01-09. Review status: criteria provided, single submitter. Criteria: ACMG Guidelines, 2015. Collection method: clinical testing. Allele origin: germline.

GeneDx
Classification: Likely benign. Last evaluated: 2017-11-28. Review status: criteria provided, single submitter. Criteria: GeneDx Variant Classification (06012015). Collection method: clinical testing. Allele origin: germline. Affected: yes.
Comment: This variant is considered likely benign or benign based on one or more of the following criteria: it is a conservative change, it occurs at a poorly conserved position in the protein, it is predicted to be benign by multiple in silico algorithms, and/or has population frequency not consistent with disease.

Ambry Genetics
Classification: Likely benign for Hereditary cancer-predisposing syndrome. Last evaluated: 2015-03-05. Review status: criteria provided, single submitter. Criteria: Ambry Variant Classification Scheme 2023. Collection method: clinical testing. Allele origin: germline.

NM_020975.6(RET):c.1701C>T (p.Asp567=)

Gene: RET (ret proto-oncogene; plus strand). Cytogenetic location: 10q11.21.
Variant type: single nucleotide variant.
Coding change: c.1701C>T on transcript NM_020975.6 (MANE Select); coding-DNA position 1701, C replaced by T.
Protein change: p.Asp567=; no amino-acid change (aspartic acid 567 retained).
Molecular consequence: synonymous variant.
Genome position (GRCh38, 1-based): chr10:43,112,905, C>T. VCF-style: chr10-43112905-C-T. GRCh37 (hg19) VCF-style: chr10-43608353-C-T.
Other names: c.1701C>T, p.Asp567= (NM_000323.2, NM_001406743.1, NM_001406744.1 and 6 more transcripts); c.939C>T, p.Asp313= (NM_001355216.2); c.1572C>T, p.Asp524= (NM_001406761.1, NM_001406762.1, NM_001406764.1 and 1 more transcripts); c.1413C>T, p.Asp471= (NM_001406766.1, NM_001406767.1, NM_001406770.1); c.1305C>T, p.Asp435= (NM_001406769.1, NM_001406772.1); c.1263C>T, p.Asp421= (NM_001406771.1, NM_001406773.1); c.1176C>T, p.Asp392= (NM_001406774.1); c.975C>T, p.Asp325= (NM_001406775.1, NM_001406776.1, NM_001406777.1 and 1 more transcripts); and 5 more.
Identifiers: ClinVar variation 413460 (VCV000413460.45), dbSNP rs201209972, ClinGen allele CA035121.